The following is an entry in ClinVar:

NM_024715.4(TXNDC15):c.304G>C (p.Glu102Gln)

Gene: TXNDC15 (thioredoxin domain containing 15; plus strand). Cytogenetic location: 5q31.1.
Variant type: single nucleotide variant.
Coding change: c.304G>C on transcript NM_024715.4 (MANE Select); coding-DNA position 304, G replaced by C.
Protein change: p.Glu102Gln; replaces glutamic acid 102 with glutamine.
Molecular consequence: missense variant.
Genome position (GRCh38, 1-based): chr5:134,887,895, G>C. VCF-style: chr5-134887895-G-C. GRCh37 (hg19) VCF-style: chr5-134223585-G-C.
Other names: c.100G>C, p.Glu34Gln (NM_001350735.2); short protein forms E102Q, E34Q.
Identifiers: ClinVar variation 1805689 (VCV001805689.1), dbSNP rs1580863801, ClinGen allele CA361456937.

ClinVar aggregate classification (germline): Uncertain significance (1 of 4 stars; one submission).

Conditions:
Meckel-Gruber syndrome. Also called: Dysencephalia splachnocystica; DYSENCEPHALIA SPLANCHNOCYSTICA; GRUBER SYNDROME. Identifiers: Orphanet 564, MedGen C0265215, MONDO:0018921.

Allele frequency attached by ClinVar (database versions not stated): TOPMed below 0.00001.
gnomAD v4.1: 4 of 1,614,206 alleles (0.00025%); highest among the groups gnomAD compares: Non-Finnish European, 0.00034%; no homozygotes.

Submission:

Victorian Clinical Genetics Services, Murdoch Childrens Research Institute
Classification: Uncertain significance for Meckel-Gruber syndrome. Last evaluated: 2020-05-25. Review status: criteria provided, single submitter. Criteria: ACMG Guidelines, 2015. Collection method: clinical testing. Allele origin: germline. Inheritance: Autosomal recessive inheritance.
Comment: Based on the classification scheme VCGS_Germline_v1.1.1, this variant is classified as 3C-VUS. Following criteria are met: 0102 - Loss-of-function is a known mechanism of disease for this gene (PMID: 27894351). (N) 0106 - This gene is known to be associated with autosomal recessive Merkel-Gruber Syndrome (OMIM, PMID: 29209597; 27894351). (N) 0200 - Variant is predicted to result in a missense amino acid change from a glutamic acid to a glutamine. (N) 0251 - Variant is heterozygous. (N) 0301 - Variant is absent from gnomAD. (P) 0503 - Missense variant consistently predicted to be tolerated by in-silico tools and is not conserved in mammals. (B) 0604 - Variant is not located in an established domain, motif, hotspot or informative constraint region. (N) 0705 - No comparable variants have previous evidence for pathogenicity. (N) 0807 - Variant has not previously been reported in ClinVar or LOVD. (N) 0905 - No segregation evidence has been identified for this variant. (N) 1007 - No published functional evidence has been identified for this variant. (N) 1208 - Inheritance information for this variant is not currently available. (N) Legend: (P) - Pathogenic, (N) - Neutral, (B) - Benign

Literature cited by the submitters: PubMed 27894351; PubMed 29209597.